The following is an entry in ClinVar:

NM_000138.5(FBN1):c.6247T>C (p.Cys2083Arg)

Gene: FBN1 (fibrillin 1; minus strand). Cytogenetic location: 15q21.1.
Variant type: single nucleotide variant.
Coding change: c.6247T>C on transcript NM_000138.5 (MANE Select); coding-DNA position 6247, T replaced by C.
Protein change: p.Cys2083Arg; replaces cysteine 2083 with arginine.
Molecular consequence: missense variant.
Genome position (GRCh38, 1-based): chr15:48,437,834, A>G on the plus strand (T>C on the coding strand, the complement: FBN1 is on the minus strand). VCF-style: chr15-48437834-A-G. GRCh37 (hg19) VCF-style: chr15-48730031-A-G.
Other names: c.6247T>C, p.Cys2083Arg (NM_001406716.1); short protein forms C2083R.
Identifiers: ClinVar variation 1752406 (VCV001752406.2), dbSNP rs2505438669, ClinGen allele CA392337034.

ClinVar aggregate classification (germline): Likely pathogenic (1 of 4 stars; one submission).

Conditions:
Familial thoracic aortic aneurysm and aortic dissection (TAAD). Also called: Thoracic aortic aneurysms and dissections. Identifiers: Orphanet 91387, MedGen C4707243, MONDO:0019625.

Submission:

Ambry Genetics
Classification: Likely pathogenic for Familial thoracic aortic aneurysm and aortic dissection. Last evaluated: 2018-05-24. Review status: criteria provided, single submitter. Criteria: Ambry Variant Classification Scheme 2023. Collection method: clinical testing. Allele origin: germline.
Comment: The p.C2083R variant (also known as c.6247T>C), located in coding exon 50 of the FBN1 gene, results from a T to C substitution at nucleotide position 6247. The cysteine at codon 2083 is replaced by arginine, an amino acid with highly dissimilar properties. This alteration was reported to be de novo in an individual meeting diagnostic criteria for Marfan syndrome (Wang J et al. Mol. Biol. Rep., 2016 Nov;43:1227-1232). Based on internal structural assessment, this alteration eliminates a structurally important disulfide bond in TB domain 6 (Yuan X et al. EMBO J., 1997 Nov;16:6659-66). This amino acid position is highly conserved in available vertebrate species. In addition, this alteration is predicted to be deleterious by in silico analysis. Based on the majority of available evidence to date, this variant is likely to be pathogenic.

Literature cited by the submitters: PubMed 27558095; PubMed 9362480.